The following is an entry in ClinVar:

NM_001111125.3(IQSEC2):c.373A>C (p.Asn125His)

Gene: IQSEC2 (IQ motif and Sec7 domain ArfGEF 2; minus strand). Cytogenetic location: Xp11.22.
Variant type: single nucleotide variant.
Coding change: c.373A>C on transcript NM_001111125.3 (MANE Select); coding-DNA position 373, A replaced by C.
Protein change: p.Asn125His; replaces asparagine 125 with histidine.
Molecular consequence: missense variant.
Genome position (GRCh38, 1-based): chrX:53,320,751, T>G on the plus strand (A>C on the coding strand, the complement: IQSEC2 is on the minus strand). VCF-style: chrX-53320751-T-G. GRCh37 (hg19) VCF-style: chrX-53349949-T-G.
Other names: c.373A>C (NM_001111125.1); c.373A>C, p.Asn125His (NM_001410736.1); short protein forms N125H.
Identifiers: ClinVar variation 3009118 (VCV003009118.4), dbSNP rs2520593011, ClinGen allele CA413239490.

ClinVar aggregate classification (germline): Uncertain significance. Review status: criteria provided, multiple submitters, no conflicts (2 of 4 stars). 2 submissions from 2 submitters: Uncertain significance (2). Last evaluated 2024-05-15.

Conditions:
Intellectual developmental disorder, X-linked 1. Also called: Atkin Flaitz Patil Smith syndrome; Intellectual disability, X-linked 1; MENTAL RETARDATION, X-LINKED 18; MENTAL RETARDATION, X-LINKED 78. Identifiers: Orphanet 777, MedGen C2931498, MONDO:0010656, OMIM 309530.

Submissions (2):

Labcorp Genetics (formerly Invitae), Labcorp
Classification: Uncertain significance for Intellectual developmental disorder, X-linked 1. Last evaluated: 2024-05-15. Review status: criteria provided, single submitter. Criteria: Invitae Variant Classification Sherloc (09022015). Collection method: clinical testing. Allele origin: germline.
Comment: This sequence change replaces asparagine, which is neutral and polar, with histidine, which is basic and polar, at codon 125 of the IQSEC2 protein (p.Asn125His). This variant is not present in population databases (gnomAD no frequency). This variant has not been reported in the literature in individuals affected with IQSEC2-related conditions. Advanced modeling of protein sequence and biophysical properties (such as structural, functional, and spatial information, amino acid conservation, physicochemical variation, residue mobility, and thermodynamic stability) performed at Invitae indicates that this missense variant is not expected to disrupt IQSEC2 protein function with a negative predictive value of 95%. In summary, the available evidence is currently insufficient to determine the role of this variant in disease. Therefore, it has been classified as a Variant of Uncertain Significance.

GeneDx
Classification: Uncertain significance. Last evaluated: 2023-11-29. Review status: criteria provided, single submitter. Criteria: GeneDx Variant Classification Process June 2021. Collection method: clinical testing. Allele origin: germline. Affected: yes.
Comment: Not observed at significant frequency in large population cohorts (gnomAD); In silico analysis supports that this missense variant does not alter protein structure/function; Has not been previously published as pathogenic or benign to our knowledge